The following is an entry in ClinVar:

ClinVar aggregate classification (germline): Conflicting classifications of pathogenicity. Review status: criteria provided, conflicting classifications (1 of 4 stars). 5 submissions from 5 submitters: Uncertain significance (1); Likely benign (2). 2 of the submissions do not count toward it. Last evaluated 2026-02-02.

Conditions:
CYP27A1-related disorder. Also called: CYP27A1-related condition.
Cholestanol storage disease (CTX). Also called: CTX: Cerebrotendinous xanthomatosis; CEREBRAL CHOLESTERINOSIS; Cerebrotendinous Xanthomatosis. Identifiers: Orphanet 909, MedGen C0238052, MONDO:0008948, OMIM 213700.

Allele frequency attached by ClinVar (database versions not stated): gnomAD exomes 0.00019; ExAC 0.00024; ESP Exome Variant Server 0.00062; gnomAD 0.00080; TOPMed 0.00104; 1000 Genomes Project 0.00160; 1000 Genomes Project 30x 0.00219.
gnomAD v4.1: 237 of 1,614,270 alleles (0.015%); highest among the groups gnomAD compares: African/African-American, 0.25%; 1 homozygote.

Submissions (5):

Labcorp Genetics (formerly Invitae), Labcorp
Classification: Likely benign for Cholestanol storage disease. Last evaluated: 2026-02-02. Review status: criteria provided, single submitter. Criteria: Invitae Variant Classification Sherloc (09022015). Collection method: clinical testing. Allele origin: germline.

PreventionGenetics, part of Exact Sciences
Classification: Likely benign for CYP27A1-related condition. Last evaluated: 2024-12-28. Review status: criteria provided, single submitter. Criteria: ACMG Guidelines, 2015. Collection method: clinical testing. Allele origin: germline.
Comment: This variant is classified as likely benign based on ACMG/AMP sequence variant interpretation guidelines (Richards et al. 2015 PMID: 25741868, with internal and published modifications).

Mayo Clinic Laboratories, Mayo Clinic
Classification: Uncertain significance. Last evaluated: 2022-06-02. Review status: criteria provided, single submitter. Criteria: ACMG Guidelines, 2015. Collection method: clinical testing. Allele origin: germline. Observed: 1 variant allele.

Clinical Genetics DNA and cytogenetics Diagnostics Lab, Erasmus MC, Erasmus Medical Center
Classification: Uncertain significance. Review status: no assertion criteria provided. Collection method: clinical testing. Allele origin: germline. Affected: yes. Study: VKGL Data-share Consensus. Not counted in ClinVar's aggregate classification.

Clinical Genetics, Academic Medical Center
Classification: Uncertain significance. Review status: no assertion criteria provided. Collection method: clinical testing. Allele origin: germline. Affected: yes. Study: VKGL Data-share Consensus. Not counted in ClinVar's aggregate classification.

NM_000784.4(CYP27A1):c.1102G>T (p.Val368Leu)

Gene: CYP27A1 (cytochrome P450 family 27 subfamily A member 1; plus strand). Cytogenetic location: 2q35.
Variant type: single nucleotide variant.
Coding change: c.1102G>T on transcript NM_000784.4 (MANE Select); coding-DNA position 1102, G replaced by T.
Protein change: p.Val368Leu; replaces valine 368 with leucine.
Molecular consequence: missense variant.
Genome position (GRCh38, 1-based): chr2:218,814,105, G>T. VCF-style: chr2-218814105-G-T. GRCh37 (hg19) VCF-style: chr2-219678828-G-T.
Other names: p.Val368Leu; short protein forms V368L.
Identifiers: ClinVar variation 785765 (VCV000785765.15), dbSNP rs145722193, ClinGen allele CA2112801.